The following is an entry in ClinVar:

NM_000548.5(TSC2):c.3244G>A (p.Gly1082Ser)

Gene: TSC2 (TSC complex subunit 2; plus strand). Cytogenetic location: 16p13.3.
Variant type: single nucleotide variant.
Coding change: c.3244G>A on transcript NM_000548.5 (MANE Select); coding-DNA position 3244, G replaced by A.
Protein change: p.Gly1082Ser; replaces glycine 1082 with serine.
Molecular consequence: missense variant.
Genome position (GRCh38, 1-based): chr16:2,079,388, G>A. VCF-style: chr16-2079388-G-A. GRCh37 (hg19) VCF-style: chr16-2129389-G-A.
Other names: c.3112G>A, p.Gly1038Ser (NM_001077183.3, NM_001370404.1, NM_001406665.1); c.3244G>A, p.Gly1082Ser (NM_001114382.3); c.3004G>A, p.Gly1002Ser (NM_001318827.2); c.2968G>A, p.Gly990Ser (NM_001318829.2); c.2512G>A, p.Gly838Ser (NM_001318831.2, NM_001406687.1, NM_001406688.1); c.3145G>A, p.Gly1049Ser (NM_001318832.2); c.3115G>A, p.Gly1039Ser (NM_001363528.2, NM_021055.3, NM_001370405.1); c.3094G>A, p.Gly1032Ser (NM_001406676.1); and 18 more; short protein forms G1019S, G1035S, G1045S, G1068S, G1069S, G504S, G838S, G839S.
Identifiers: ClinVar variation 1729334 (VCV001729334.3), dbSNP rs2151440072, ClinGen allele CA394286103.
Genomic context (GRCh38, chr16:2,079,388, plus strand): 5'-GTTGGGAACAAGCTTGTCACTGTGACGACAAGCGTGGGAACCGGGACCCGGTCGTTACTA[G>A]GCCTGGACTCGGGGGAGCTGCAGTCCGGCCCGGAGTCGAGGTGACTGCACCTTCCTTTCC-3'
Protein context (NP_000539.2, residues 1072-1092): SVGTGTRSLL[Gly1082Ser]LDSGELQSGP

ClinVar aggregate classification (germline): Uncertain significance (1 of 4 stars; one submission).

Conditions:
Hereditary cancer-predisposing syndrome. Also called: Hereditary Cancer Syndrome; Hereditary neoplastic syndrome; Neoplastic Syndromes, Hereditary; Tumor predisposition. Identifiers: Orphanet 140162, MedGen C0027672, MeSH D009386, MONDO:0015356.

Submission:

Ambry Genetics
Classification: Uncertain significance for Hereditary cancer-predisposing syndrome. Last evaluated: 2026-07-07. Review status: criteria provided, single submitter. Criteria: Ambry Variant Classification Scheme 2023. Collection method: clinical testing. Allele origin: germline.
Comment: The p.G1082S variant (also known as c.3244G>A), located in coding exon 27 of the TSC2 gene, results from a G to A substitution at nucleotide position 3244. The glycine at codon 1082 is replaced by serine, an amino acid with similar properties. This amino acid position is conserved. In addition, this alteration is predicted to be deleterious by in silico analysis. Based on the available evidence, the clinical significance of this variant remains unclear.